The following is an entry in ClinVar:

ClinVar aggregate classification (germline): Uncertain significance (1 of 4 stars; one submission).

Conditions:
Oculofaciocardiodental syndrome (MCOPS2). Identifiers: Orphanet 2712, MedGen C1846265, MONDO:0010261, OMIM 300166.

Allele frequency attached by ClinVar (database versions not stated): gnomAD exomes below 0.00001 and 0.00004; ExAC 0.00003; TOPMed 0.00003.
gnomAD v4.1: 5 of 1,211,742 alleles (0.00041%); highest among the groups gnomAD compares: East Asian, 0.0089%; no homozygotes.

Submission:

Labcorp Genetics (formerly Invitae), Labcorp
Classification: Uncertain significance for Oculofaciocardiodental syndrome. Last evaluated: 2022-02-18. Review status: criteria provided, single submitter. Criteria: Invitae Variant Classification Sherloc (09022015). Collection method: clinical testing. Allele origin: germline.
Comment: In summary, the available evidence is currently insufficient to determine the role of this variant in disease. Therefore, it has been classified as a Variant of Uncertain Significance. Algorithms developed to predict the effect of missense changes on protein structure and function (SIFT, PolyPhen-2, Align-GVGD) all suggest that this variant is likely to be disruptive. ClinVar contains an entry for this variant (Variation ID: 582349). This variant has not been reported in the literature in individuals affected with BCOR-related conditions. This variant is present in population databases (rs777945715, gnomAD 0.03%). This sequence change replaces threonine, which is neutral and polar, with methionine, which is neutral and non-polar, at codon 200 of the BCOR protein (p.Thr200Met).

NM_001123385.2(BCOR):c.599C>T (p.Thr200Met)

Genes: BCOR (BCL6 corepressor; minus strand), LOC126863239 (MED14-independent group 3 enhancer GRCh37_chrX:39932994-39934193; plus strand). Cytogenetic location: Xp11.4.
Variant type: single nucleotide variant.
Coding change: c.599C>T on transcript NM_001123385.2 (MANE Select); coding-DNA position 599, C replaced by T.
Protein change: p.Thr200Met; replaces threonine 200 with methionine.
Molecular consequence: missense variant.
Genome position (GRCh38, 1-based): chrX:40,074,747, G>A on the plus strand (C>T on the coding strand, the complement: BCOR is on the minus strand). VCF-style: chrX-40074747-G-A. GRCh37 (hg19) VCF-style: chrX-39934000-G-A.
Other names: c.599C>T, p.Thr200Met (NM_001123383.2, NM_001123384.2, NM_017745.6); short protein forms T200M.
Identifiers: ClinVar variation 582349 (VCV000582349.6), dbSNP rs777945715, ClinGen allele CA10387027.
Genomic context (GRCh38, chrX:40,074,747, plus strand): 5'-GCCTTGTACATGTTCAGTGAATACTTATTTGGCGAGTCGAGGAAAGGGTAGATGGCTGGC[G>A]TGGCACCCTCCATGTAAGGATTGACCCAGGGCAGCCGCAGATAACTAGCACCATTGATGT-3'
Protein context (NP_001116857.1, residues 190-210): PWVNPYMEGA[Thr200Met]PAIYPFLDSP